The following is an entry in ClinVar:

ClinVar aggregate classification (germline): Likely benign. Review status: criteria provided, single submitter (1 of 4 stars). 2 submissions from 2 submitters: Likely benign (1). 1 of the submissions does not count toward it. Last evaluated 2021-08-13.

Conditions:
Inborn genetic diseases. Identifiers: MedGen C0950123, MeSH D030342.

Allele frequency attached by ClinVar (database versions not stated): gnomAD exomes 0.00040; ExAC 0.00042; TOPMed 0.00049; gnomAD 0.00055; ESP Exome Variant Server 0.00085.

Submissions (2):

Ambry Genetics
Classification: Likely benign for Inborn genetic diseases. Last evaluated: 2021-08-13. Review status: criteria provided, single submitter. Criteria: Ambry Variant Classification Scheme 2023. Collection method: clinical testing. Allele origin: germline.

Department of Pathology and Laboratory Medicine, Sinai Health System
Classification: Uncertain significance. Review status: no assertion criteria provided. Collection method: clinical testing. Allele origin: unknown. Affected: yes. Study: The Canadian Open Genetics Repository (COGR). Not counted in ClinVar's aggregate classification.
Comment: The FLG p.Asp340His variant was not identified in the literature nor was it identified in ClinVar. The variant was identified in dbSNP (ID: rs145070318) and in control databases in 120 of 282856 chromosomes at a frequency of 0.0004242 increasing the likelihood this could be a low frequency benign variant (Genome Aggregation Database March 6, 2019, v2.1.1). The variant was observed in the following populations: European (non-Finnish) in 103 of 129170 chromosomes (freq: 0.000797), African in 11 of 24956 chromosomes (freq: 0.000441), Other in 2 of 7228 chromosomes (freq: 0.000277), East Asian in 2 of 19954 chromosomes (freq: 0.0001) and European (Finnish) in 2 of 25122 chromosomes (freq: 0.00008), but was not observed in the Latino, Ashkenazi Jewish, or South Asian populations. The p.Asp340 residue is not conserved in mammals and computational analyses (PolyPhen-2, SIFT, AlignGVGD, BLOSUM, MutationTaster) do not suggest a high likelihood of impact to the protein; however, this information is not predictive enough to rule out pathogenicity. The variant occurs outside of the splicing consensus sequence and in silico or computational prediction software programs (SpliceSiteFinder, MaxEntScan, NNSPLICE, GeneSplicer) do not predict a difference in splicing. In summary, based on the above information the clinical significance of this variant cannot be determined with certainty at this time. This variant is classified as a variant of uncertain significance.

NM_002016.2(FLG):c.1018G>C (p.Asp340His)

Genes: CCDST (cervical cancer associated DHX9 suppressive transcript; plus strand), FLG (filaggrin; minus strand). Cytogenetic location: 1q21.3.
Variant type: single nucleotide variant.
Coding change: c.1018G>C on transcript NM_002016.2 (MANE Select); coding-DNA position 1018, G replaced by C.
Protein change: p.Asp340His; replaces aspartic acid 340 with histidine.
Molecular consequence: missense variant. On other transcripts: non-coding transcript variant (1).
Genome position (GRCh38, 1-based): chr1:152,313,868, C>G on the plus strand (G>C on the coding strand, the complement: FLG is on the minus strand). VCF-style: chr1-152313868-C-G. GRCh37 (hg19) VCF-style: chr1-152286344-C-G.
Other names: c.1018G>C (NM_002016.1); short protein forms D340H.
Identifiers: ClinVar variation 1050318 (VCV001050318.4), dbSNP rs145070318, ClinGen allele CA1107826.